The following is an entry in ClinVar:

NM_000535.7(PMS2):c.1318C>G (p.Pro440Ala)

Gene: PMS2 (PMS1 homolog 2, mismatch repair system component; minus strand). Cytogenetic location: 7p22.1.
Variant type: single nucleotide variant.
Coding change: c.1318C>G on transcript NM_000535.7 (MANE Select); coding-DNA position 1318, C replaced by G.
Protein change: p.Pro440Ala; replaces proline 440 with alanine.
Molecular consequence: missense variant. On other transcripts: non-coding transcript variant (1).
Genome position (GRCh38, 1-based): chr7:5,987,447, G>C on the plus strand (C>G on the coding strand, the complement: PMS2 is on the minus strand). VCF-style: chr7-5987447-G-C. GRCh37 (hg19) VCF-style: chr7-6027078-G-C.
Other names: c.913C>G, p.Pro305Ala (NM_001322003.2, NM_001322004.2, NM_001322005.2 and 1 more transcripts); c.1162C>G, p.Pro388Ala (NM_001322006.2); c.1000C>G, p.Pro334Ala (NM_001322007.2, NM_001322008.2); c.757C>G, p.Pro253Ala (NM_001322010.2); c.385C>G, p.Pro129Ala (NM_001322011.2, NM_001322012.2); c.745C>G, p.Pro249Ala (NM_001322013.2); c.1318C>G, p.Pro440Ala (NM_001322014.2); c.1009C>G, p.Pro337Ala (NM_001322015.2); short protein forms P440A, P249A, P388A, P129A, P305A, P253A, P334A, P337A.
Identifiers: ClinVar variation 233783 (VCV000233783.20), dbSNP rs762894051, ClinGen allele CA043046.
Genomic context (GRCh38, chr7:5,987,447, plus strand): 5'-CTGAAGTGCTAGAAGACAGCATACCCCTTTTCTGTCCTAGAGGGCTCCTTCTTGGTTCTG[G>C]AGTCTTTGGGCTGTGAGGCTTGTTCTCTGTTGTGTGACGAAGAGAAAAGGCCTCTCGCAG-3'
Protein context (NP_000526.2, residues 430-450): TENKPHSPKT[Pro440Ala]EPRRSPLGQK

ClinVar aggregate classification (germline): Conflicting classifications of pathogenicity. Review status: criteria provided, conflicting classifications (1 of 4 stars). 4 submissions from 4 submitters: Uncertain significance (3); Likely benign (1). Last evaluated 2026-08-13.

Conditions:
Hereditary nonpolyposis colorectal neoplasms. Identifiers: MedGen C0009405, MeSH D003123.
Hereditary cancer-predisposing syndrome. Also called: Tumor predisposition; Neoplastic Syndromes, Hereditary; Hereditary Cancer Syndrome; Hereditary neoplastic syndrome. Identifiers: Orphanet 140162, MedGen C0027672, MeSH D009386, MONDO:0015356.
Lynch syndrome 4 (LYNCH4). Also called: Colorectal cancer, hereditary nonpolyposis, type 4; Hereditary non-polyposis colorectal cancer, type 4. Identifiers: Orphanet 144, MedGen C1838333, MONDO:0013699, OMIM 614337. Disease mechanism: loss of function.

Allele frequency attached by ClinVar (database versions not stated): ExAC 0.00002; gnomAD exomes 0.00002.
gnomAD v4.1: 3 of 1,614,128 alleles (0.00019%); highest among the groups gnomAD compares: East Asian, 0.0067%; no homozygotes.

Submissions (4):

Ambry Genetics
Classification: Likely benign for Hereditary cancer-predisposing syndrome. Last evaluated: 2026-08-13. Review status: criteria provided, single submitter. Criteria: Ambry Variant Classification Scheme 2023. Collection method: clinical testing. Allele origin: germline.

Labcorp Genetics (formerly Invitae), Labcorp
Classification: Uncertain significance for Hereditary nonpolyposis colorectal neoplasms. Last evaluated: 2025-09-02. Review status: criteria provided, single submitter. Criteria: Invitae Variant Classification Sherloc (09022015). Collection method: clinical testing. Allele origin: germline.
Comment: This sequence change replaces proline, which is neutral and non-polar, with alanine, which is neutral and non-polar, at codon 440 of the PMS2 protein (p.Pro440Ala). This variant is present in population databases (rs762894051, gnomAD 0.03%). This variant has not been reported in the literature in individuals affected with PMS2-related conditions. ClinVar contains an entry for this variant (Variation ID: 233783). Invitae Evidence Modeling incorporating data from in vitro experimental studies (internal data) indicates that this missense variant is not expected to disrupt PMS2 function with a negative predictive value of 95%. In summary, the available evidence is currently insufficient to determine the role of this variant in disease. Therefore, it has been classified as a Variant of Uncertain Significance.

Molecular Pathology, Peter Maccallum Cancer Centre
Classification: Uncertain significance for Lynch syndrome 4. Last evaluated: 2024-04-18. Review status: criteria provided, single submitter. Criteria: ACMG Guidelines, 2015. Collection method: clinical testing. Allele origin: germline. Inheritance: Autosomal dominant inheritance.

Color Diagnostics, LLC DBA Color Health
Classification: Uncertain significance for Hereditary cancer-predisposing syndrome. Last evaluated: 2019-12-14. Review status: criteria provided, single submitter. Criteria: ACMG Guidelines, 2015. Collection method: clinical testing. Allele origin: germline.
Comment: This missense variant replaces proline with alanine at codon 440 of the PMS2 protein. Computational prediction suggests that this variant may not impact protein structure and function (internally defined REVEL score threshold <= 0.5, PMID: 27666373). Splice site prediction tools suggest that this variant may not impact RNA splicing. To our knowledge, functional studies have not been performed for this variant. This variant has not been reported in individuals affected with hereditary cancer in the literature. This variant has been identified in 5/251344 chromosomes in the general population by the Genome Aggregation Database (gnomAD). The available evidence is insufficient to determine the role of this variant in disease conclusively. Therefore, this variant is classified as a Variant of Uncertain Significance.